The following is an entry in ClinVar:

NM_001142800.2(EYS):c.2439C>T (p.Cys813=)

Gene: EYS (EGF-like photoreceptor maintenance factor; minus strand). Cytogenetic location: 6q12.
Variant type: single nucleotide variant.
Coding change: c.2439C>T on transcript NM_001142800.2 (MANE Select); coding-DNA position 2439, C replaced by T.
Protein change: p.Cys813=; no amino-acid change (cysteine 813 retained).
Molecular consequence: synonymous variant.
Genome position (GRCh38, 1-based): chr6:64,912,686, G>A on the plus strand (C>T on the coding strand, the complement: EYS is on the minus strand). VCF-style: chr6-64912686-G-A. GRCh37 (hg19) VCF-style: chr6-65622579-G-A.
Other names: c.2439C>T, p.Cys813= (NM_001292009.2).
Identifiers: ClinVar variation 835210 (VCV000835210.10), dbSNP rs367546131, ClinGen allele CA3877282.
Genomic context (GRCh38, chr6:64,912,686, plus strand): 5'-AAATTGTCCAGGGATGGTAGATTCATGACAAAGACCTCCATTCATGCATGGATCAGAGTC[G>A]CATTCATTTATTTCTTCACTACAGTTCTGTCCAGTCCATCCAGATGTACACTCACATCTG-3'
Protein context (NP_001136272.1, residues 803-823): GQNCSEEINE[Cys813=]DSDPCMNGGL

ClinVar aggregate classification (germline): Conflicting classifications of pathogenicity. Review status: criteria provided, conflicting classifications (1 of 4 stars). 5 submissions from 5 submitters: Uncertain significance (3); Likely benign (1). 1 of the submissions does not count toward it. Last evaluated 2025-11-18.

Conditions:
EYS-related disorder. Also called: EYS-related condition.
Retinitis pigmentosa 25 (RP25). Identifiers: Orphanet 791, MedGen C1864446, MONDO:0011272, OMIM 602772.

Allele frequency attached by ClinVar (database versions not stated): gnomAD exomes 0.00005 and 0.00010; ExAC 0.00013; 1000 Genomes Project 30x 0.00016; gnomAD 0.00017 and 0.00018; TOPMed 0.00019; 1000 Genomes Project 0.00020; ESP Exome Variant Server 0.00066.
gnomAD v4.1: 93 of 1,522,754 alleles (0.0061%); highest among the groups gnomAD compares: African/African-American, 0.054%; no homozygotes.

Submissions (5):

Labcorp Genetics (formerly Invitae), Labcorp
Classification: Uncertain significance. Last evaluated: 2025-11-18. Review status: criteria provided, single submitter. Criteria: Invitae Variant Classification Sherloc (09022015). Collection method: clinical testing. Allele origin: germline.
Comment: This sequence change affects codon 813 of the EYS mRNA. It is a 'silent' change, meaning that it does not change the encoded amino acid sequence of the EYS protein. This variant is present in population databases (rs367546131, gnomAD 0.04%). This variant has been observed in individuals with clinical features of retinitis pigmentosa (internal data). ClinVar contains an entry for this variant (Variation ID: 835210). Algorithms developed to predict the effect of sequence changes on RNA splicing suggest that this variant is not likely to affect RNA splicing. In summary, the available evidence is currently insufficient to determine the role of this variant in disease. Therefore, it has been classified as a Variant of Uncertain Significance.

PreventionGenetics, part of Exact Sciences
Classification: Likely benign for EYS-related condition. Last evaluated: 2024-12-12. Review status: criteria provided, single submitter. Criteria: ACMG Guidelines, 2015. Collection method: clinical testing. Allele origin: germline.
Comment: This variant is classified as likely benign based on ACMG/AMP sequence variant interpretation guidelines (Richards et al. 2015 PMID: 25741868, with internal and published modifications).

Blueprint Genetics
Classification: Uncertain significance. Last evaluated: 2024-09-19. Review status: criteria provided, single submitter. Criteria: ACMG Guidelines, 2015. Collection method: clinical testing. Allele origin: germline.

Breakthrough Genomics
Classification: Uncertain significance. Review status: criteria provided, single submitter. Criteria: ACMG Guidelines, 2015. Collection method: not provided. Allele origin: germline. Inheritance: Autosomal recessive inheritance. Affected: yes.

Natera, Inc.
Classification: Uncertain significance for Retinitis pigmentosa type 25. Last evaluated: 2021-02-17. Review status: no assertion criteria provided. Collection method: clinical testing. Allele origin: germline. Not counted in ClinVar's aggregate classification.